The following is an entry in ClinVar:

NM_002470.4(MYH3):c.2419C>T (p.Gln807Ter)

Gene: MYH3 (myosin heavy chain 3; minus strand). Cytogenetic location: 17p13.1.
Variant type: single nucleotide variant.
Coding change: c.2419C>T on transcript NM_002470.4 (MANE Select); coding-DNA position 2419, C replaced by T.
Protein change: p.Gln807Ter; replaces glutamine 807 with a stop codon.
Molecular consequence: nonsense.
Genome position (GRCh38, 1-based): chr17:10,640,340, G>A on the plus strand (C>T on the coding strand, the complement: MYH3 is on the minus strand). VCF-style: chr17-10640340-G-A. GRCh37 (hg19) VCF-style: chr17-10543657-G-A.
Other names: short protein forms Q807*.
Identifiers: ClinVar variation 504352 (VCV000504352.4), dbSNP rs754050324, ClinGen allele CA8392770.

ClinVar aggregate classification (germline): Conflicting classifications of pathogenicity. Review status: criteria provided, conflicting classifications (1 of 4 stars). 4 submissions from 4 submitters: Pathogenic (1); Likely pathogenic (2); Uncertain significance (1). Last evaluated 2025-10-10.

Conditions:
Contractures, pterygia, and variable skeletal fusions syndrome 1B. Also called: CONTRACTURES, PTERYGIA, AND SPONDYLOCARPOTARSAL FUSION SYNDROME 1B. Identifiers: MedGen C5193114, MONDO:0020746, OMIM 618469.
Spondylocarpotarsal synostosis syndrome (SCT). Also called: SPONDYLOCARPOTARSAL SYNDROME; VERTEBRAL FUSION WITH CARPAL COALITION; Synspondylism congenital; Scoliosis, congenital with unilateral unsegmented bar; Spondylocarpotarsal Synostosis Syndrome (FLNB-SCT). Identifiers: Orphanet 3275, MedGen C1848934, MONDO:0010094, OMIM 272460.

Allele frequency attached by ClinVar (database versions not stated): gnomAD exomes 0.00001; ExAC 0.00002.

Submissions (4):

First Genomix Gene Laboratory, Genetic Diagnostics Department
Classification: Likely pathogenic for Contractures, pterygia, and variable skeletal fusions syndrome 1B. Last evaluated: 2025-10-10. Review status: criteria provided, single submitter. Criteria: ACMG Guidelines, 2015. Collection method: clinical testing. Allele origin: germline. Inheritance: Autosomal recessive inheritance. Affected: no. Observed: 1 variant allele.

Labcorp Genetics (formerly Invitae), Labcorp
Classification: Pathogenic. Last evaluated: 2025-04-16. Review status: criteria provided, single submitter. Criteria: Invitae Variant Classification Sherloc (09022015). Collection method: clinical testing. Allele origin: germline.
Comment: This sequence change creates a premature translational stop signal (p.Gln807*) in the MYH3 gene. It is expected to result in an absent or disrupted protein product. Loss-of-function variants in MYH3 are known to be pathogenic (PMID: 29805041, 30008475). This variant is present in population databases (rs754050324, gnomAD 0.002%). This variant has not been reported in the literature in individuals affected with MYH3-related conditions. ClinVar contains an entry for this variant (Variation ID: 504352). For these reasons, this variant has been classified as Pathogenic.

Molecular Diagnostics Laboratory, M Health Fairview: University of Minnesota
Classification: Likely pathogenic for Spondylocarpotarsal synostosis syndrome. Last evaluated: 2020-01-22. Review status: criteria provided, single submitter. Criteria: ACMG Guidelines, 2015. Collection method: clinical testing. Allele origin: germline. Affected: yes. Observed: 1 variant allele.

GeneDx
Classification: Uncertain significance. Last evaluated: 2018-02-15. Review status: criteria provided, single submitter. Criteria: GeneDx Variant Classification (06012015). Collection method: clinical testing. Allele origin: germline. Affected: yes.
Comment: The Q807X variant in the MYH3 gene has not been reported previously as a pathogenic variant nor as a benign variant, to our knowledge. This variant is predicted to cause loss of normal protein function either through protein truncation or nonsense-mediated mRNA decay. However, loss-of-function is not a known mechanism of disease for the MYH3 gene. The Q807X variant is observed in 2/111708 (0.002%) alleles from individuals of non-Finnish European background, in large population cohorts (Lek et al., 2016). We interpret Q807X as a variant of uncertain significance.

Literature cited by the submitters: PubMed 29805041 (cited by Labcorp Genetics (formerly Invitae), Labcorp and Molecular Diagnostics Laboratory, M Health Fairview: University of Minnesota); PubMed 30008475 (cited by Labcorp Genetics (formerly Invitae), Labcorp).